The following is an entry in ClinVar:

NM_000883.4(IMPDH1):c.1570A>G (p.Ile524Val)

Gene: IMPDH1 (inosine monophosphate dehydrogenase 1; minus strand). Cytogenetic location: 7q32.1.
Variant type: single nucleotide variant.
Coding change: c.1570A>G on transcript NM_000883.4 (MANE Select); coding-DNA position 1570, A replaced by G.
Protein change: p.Ile524Val; replaces isoleucine 524 with valine.
Molecular consequence: missense variant.
Genome position (GRCh38, 1-based): chr7:128,394,580, T>C on the plus strand (A>G on the coding strand, the complement: IMPDH1 is on the minus strand). VCF-style: chr7-128394580-T-C. GRCh37 (hg19) VCF-style: chr7-128034634-T-C.
Other names: c.1540A>G, p.Ile514Val (NM_001102605.2); c.1315A>G, p.Ile439Val (NM_001142573.2); c.1300A>G, p.Ile434Val (NM_001142574.2); c.1240A>G, p.Ile414Val (NM_001142575.2); c.1471A>G, p.Ile491Val (NM_001142576.2); c.1363A>G, p.Ile455Val (NM_001304521.2); c.1462A>G, p.Ile488Val (NM_183243.3); short protein forms I488V, I491V, I414V, I434V, I439V, I455V, I514V, I524V.
Identifiers: ClinVar variation 4697366 (VCV004697366.1).

ClinVar aggregate classification (germline): Uncertain significance (1 of 4 stars; one submission).

gnomAD v4.1: 1 of 1,613,848 alleles (0.000062%); highest among the groups gnomAD compares: Non-Finnish European, 0.000085%; no homozygotes.

Submission:

Labcorp Genetics (formerly Invitae), Labcorp
Classification: Uncertain significance. Last evaluated: 2025-02-25. Review status: criteria provided, single submitter. Criteria: Invitae Variant Classification Sherloc (09022015). Collection method: clinical testing. Allele origin: germline.
Comment: This sequence change replaces isoleucine, which is neutral and non-polar, with valine, which is neutral and non-polar, at codon 524 of the IMPDH1 protein (p.Ile524Val). This variant is not present in population databases (gnomAD no frequency). This variant has not been reported in the literature in individuals affected with IMPDH1-related conditions. An algorithm developed to predict the effect of missense changes on protein structure and function outputs the following: PolyPhen-2: "Benign". The valine amino acid residue is found in multiple mammalian species, which suggests that this missense change does not adversely affect protein function. In summary, the available evidence is currently insufficient to determine the role of this variant in disease. Therefore, it has been classified as a Variant of Uncertain Significance.